The following is an entry in ClinVar:

NM_001077350.3(NPRL3):c.118A>G (p.Ser40Gly)

Genes: HBA-LCR (alpha-globin locus control region; plus strand), NPRL3 (NPR3 like, GATOR1 complex subunit; minus strand). Cytogenetic location: 16p13.3.
Variant type: single nucleotide variant.
Coding change: c.118A>G on transcript NM_001077350.3 (MANE Select); coding-DNA position 118, A replaced by G.
Protein change: p.Ser40Gly; replaces serine 40 with glycine.
Molecular consequence: missense variant. On other transcripts: 5 prime UTR variant (2).
Genome position (GRCh38, 1-based): chr16:138,150, T>C on the plus strand (A>G on the coding strand, the complement: NPRL3 is on the minus strand). VCF-style: chr16-138150-T-C. GRCh37 (hg19) VCF-style: chr16-188149-T-C.
Other names: c.-215A>G (NM_001039476.3); c.-254A>G (NM_001243247.2); c.118A>G, p.Ser40Gly (NM_001243248.2, NM_001243249.2); short protein forms S40G.
Identifiers: ClinVar variation 1695551 (VCV001695551.6), dbSNP rs1901205892, ClinGen allele CA393999474.

ClinVar aggregate classification (germline): Uncertain significance. Review status: criteria provided, multiple submitters, no conflicts (2 of 4 stars). 2 submissions from 2 submitters: Uncertain significance (2). Last evaluated 2023-04-12.

Conditions:
Epilepsy, familial focal, with variable foci 3 (FFEVF3). Identifiers: MedGen C4310708, MONDO:0014925, OMIM 617118.

Allele frequency attached by ClinVar (database versions not stated): gnomAD 0.00001; TOPMed 0.00001.
gnomAD v4.1: 1 of 1,598,034 alleles (0.000063%); highest among the groups gnomAD compares: African/African-American, 0.0013%; no homozygotes.

Submissions (2):

Labcorp Genetics (formerly Invitae), Labcorp
Classification: Uncertain significance for Epilepsy, familial focal, with variable foci 3. Last evaluated: 2023-04-12. Review status: criteria provided, single submitter. Criteria: Invitae Variant Classification Sherloc (09022015). Collection method: clinical testing. Allele origin: germline.
Comment: This variant has not been reported in the literature in individuals affected with NPRL3-related conditions. In summary, the available evidence is currently insufficient to determine the role of this variant in disease. Therefore, it has been classified as a Variant of Uncertain Significance. Algorithms developed to predict the effect of sequence changes on RNA splicing suggest that this variant may disrupt the consensus splice site. Experimental studies and prediction algorithms are not available or were not evaluated, and the functional significance of this variant is currently unknown. ClinVar contains an entry for this variant (Variation ID: 1695551). This variant is not present in population databases (gnomAD no frequency). This sequence change replaces serine, which is neutral and polar, with glycine, which is neutral and non-polar, at codon 40 of the NPRL3 protein (p.Ser40Gly).

GeneDx
Classification: Uncertain significance. Last evaluated: 2022-07-26. Review status: criteria provided, single submitter. Criteria: GeneDx Variant Classification Process June 2021. Collection method: clinical testing. Allele origin: germline. Affected: yes.
Comment: Not observed at significant frequency in large population cohorts (gnomAD); In silico analysis supports that this missense variant does not alter protein structure/function; Has not been previously published as pathogenic or benign to our knowledge